The following is an entry in ClinVar:

NM_001267550.2(TTN):c.40409-3A>C

Gene: TTN (titin; minus strand). Cytogenetic location: 2q31.2.
Variant type: single nucleotide variant.
Coding change: c.40409-3A>C on transcript NM_001267550.2 (MANE Select); 3 bases into the intron before coding-DNA position 40409, A replaced by C.
Molecular consequence: intron variant.
Genome position (GRCh38, 1-based): chr2:178,644,619, T>G on the plus strand (A>C on the coding strand, the complement: TTN is on the minus strand). VCF-style: chr2-178644619-T-G. GRCh37 (hg19) VCF-style: chr2-179509346-T-G.
Other names: c.13283-2302A>C (NM_003319.4); c.13859-2302A>C (NM_133437.4); c.13658-2302A>C (NM_133432.3); c.32705-3A>C (NM_133378.4); c.35486-3A>C (NM_001256850.1).
Identifiers: ClinVar variation 595162 (VCV000595162.10), dbSNP rs1269069315, ClinGen allele CA761292175.

ClinVar aggregate classification (germline): Uncertain significance. Review status: criteria provided, multiple submitters, no conflicts (2 of 4 stars). 2 submissions from 2 submitters: Uncertain significance (2). Last evaluated 2022-03-23.

Conditions:
Dilated cardiomyopathy 1G (CMD1G). Identifiers: Orphanet 154, MedGen C1858763, MONDO:0011400, OMIM 604145.
Autosomal recessive limb-girdle muscular dystrophy type 2J (LGMDR10). Also called: MUSCULAR DYSTROPHY, LIMB-GIRDLE, AUTOSOMAL RECESSIVE 10; Limb-girdle muscular dystrophy, type 2J. Identifiers: Orphanet 140922, MedGen C1837342, MONDO:0012127, OMIM 608807.

Allele frequency attached by ClinVar (database versions not stated): gnomAD exomes below 0.00001; TOPMed below 0.00001; gnomAD 0.00001.
gnomAD v4.1: 4 of 1,550,064 alleles (0.00026%); highest among the groups gnomAD compares: Middle Eastern, 0.017%; no homozygotes.

Submissions (2):

Labcorp Genetics (formerly Invitae), Labcorp
Classification: Uncertain significance for Dilated cardiomyopathy 1G; Autosomal recessive limb-girdle muscular dystrophy type 2J. Last evaluated: 2022-03-23. Review status: criteria provided, single submitter. Criteria: Invitae Variant Classification Sherloc (09022015). Collection method: clinical testing. Allele origin: germline.
Comment: This sequence change falls in intron 217 of the TTN gene. It does not directly change the encoded amino acid sequence of the TTN protein. It affects a nucleotide within the consensus splice site. This variant is not present in population databases (gnomAD no frequency). This variant has not been reported in the literature in individuals affected with TTN-related conditions. ClinVar contains an entry for this variant (Variation ID: 595162). Variants that disrupt the consensus splice site are a relatively common cause of aberrant splicing (PMID: 17576681, 9536098). Algorithms developed to predict the effect of sequence changes on RNA splicing suggest that this variant may create or strengthen a splice site. In summary, the available evidence is currently insufficient to determine the role of this variant in disease. Therefore, it has been classified as a Variant of Uncertain Significance.

Eurofins Ntd Llc (ga)
Classification: Uncertain significance. Last evaluated: 2017-11-28. Review status: criteria provided, single submitter. Criteria: EGL Classification Definitions 2015. Collection method: clinical testing. Allele origin: germline. Observed: 1 variant allele, 1 heterozygote.

Literature cited by the submitters: PubMed 17576681 (cited by Labcorp Genetics (formerly Invitae), Labcorp); PubMed 9536098 (cited by Labcorp Genetics (formerly Invitae), Labcorp).